The following is an entry in ClinVar:

ClinVar aggregate classification (germline): Uncertain significance (1 of 4 stars; one submission).

Submission:

Labcorp Genetics (formerly Invitae), Labcorp
Classification: Uncertain significance. Last evaluated: 2022-10-19. Review status: criteria provided, single submitter. Criteria: Invitae Variant Classification Sherloc (09022015). Collection method: clinical testing. Allele origin: germline.
Comment: Advanced modeling of protein sequence and biophysical properties (such as structural, functional, and spatial information, amino acid conservation, physicochemical variation, residue mobility, and thermodynamic stability) performed at Invitae indicates that this missense variant is not expected to disrupt PHIP protein function. This variant has not been reported in the literature in individuals affected with PHIP-related conditions. This variant is not present in population databases (gnomAD no frequency). This sequence change replaces glutamic acid, which is acidic and polar, with lysine, which is basic and polar, at codon 972 of the PHIP protein (p.Glu972Lys). Algorithms developed to predict the effect of sequence changes on RNA splicing suggest that this variant may disrupt the consensus splice site. In summary, the available evidence is currently insufficient to determine the role of this variant in disease. Therefore, it has been classified as a Variant of Uncertain Significance.

NM_017934.7(PHIP):c.2914G>A (p.Glu972Lys)

Genes: IRAK1BP1 (interleukin 1 receptor associated kinase 1 binding protein 1; plus strand), PHIP (PHIP subunit of CUL4-Ring ligase complex; minus strand). Cytogenetic location: 6q14.1.
Variant type: single nucleotide variant.
Coding change: c.2914G>A on transcript NM_017934.7 (MANE Select); coding-DNA position 2914, G replaced by A.
Protein change: p.Glu972Lys; replaces glutamic acid 972 with lysine.
Molecular consequence: missense variant.
Genome position (GRCh38, 1-based): chr6:78,970,864, C>T on the plus strand (G>A on the coding strand, the complement: PHIP is on the minus strand). VCF-style: chr6-78970864-C-T. GRCh37 (hg19) VCF-style: chr6-79680581-C-T.
Other names: short protein forms E972K.
Identifiers: ClinVar variation 1721919 (VCV001721919.5), dbSNP rs2481898371, ClinGen allele CA364648397.